The following is an entry in ClinVar:

ClinVar aggregate classification (germline): Uncertain significance (1 of 4 stars; one submission).

Conditions:
Kabuki syndrome. Also called: NIIKAWA-KUROKI SYNDROME; Kabuki make-up syndrome. Identifiers: Orphanet 2322, MedGen C0796004, MONDO:0016512.

gnomAD v4.1: 2 of 1,512,800 alleles (0.00013%); no homozygotes.

Submission:

Labcorp Genetics (formerly Invitae), Labcorp
Classification: Uncertain significance for Kabuki syndrome. Last evaluated: 2024-09-29. Review status: criteria provided, single submitter. Criteria: Invitae Variant Classification Sherloc (09022015). Collection method: clinical testing. Allele origin: germline.
Comment: This sequence change replaces proline, which is neutral and non-polar, with threonine, which is neutral and polar, at codon 2184 of the KMT2D protein (p.Pro2184Thr). This variant is not present in population databases (gnomAD no frequency). This variant has not been reported in the literature in individuals affected with KMT2D-related conditions. Invitae Evidence Modeling of protein sequence and biophysical properties (such as structural, functional, and spatial information, amino acid conservation, physicochemical variation, residue mobility, and thermodynamic stability) indicates that this missense variant is not expected to disrupt KMT2D protein function with a negative predictive value of 95%. In summary, the available evidence is currently insufficient to determine the role of this variant in disease. Therefore, it has been classified as a Variant of Uncertain Significance.

NM_003482.4(KMT2D):c.6550C>A (p.Pro2184Thr)

Gene: KMT2D (lysine methyltransferase 2D; minus strand). Cytogenetic location: 12q13.12.
Variant type: single nucleotide variant.
Coding change: c.6550C>A on transcript NM_003482.4 (MANE Select); coding-DNA position 6550, C replaced by A.
Protein change: p.Pro2184Thr; replaces proline 2184 with threonine.
Molecular consequence: missense variant.
Genome position (GRCh38, 1-based): chr12:49,041,220, G>T on the plus strand (C>A on the coding strand, the complement: KMT2D is on the minus strand). VCF-style: chr12-49041220-G-T. GRCh37 (hg19) VCF-style: chr12-49435003-G-T.
Other names: short protein forms P2184T.
Identifiers: ClinVar variation 3698689 (VCV003698689.2).